The following is an entry in ClinVar:

NM_025179.4(PLXNA2):c.4638G>A (p.Pro1546=)

Gene: PLXNA2 (plexin A2; minus strand). Cytogenetic location: 1q32.2.
Variant type: single nucleotide variant.
Coding change: c.4638G>A on transcript NM_025179.4 (MANE Select); coding-DNA position 4638, G replaced by A.
Protein change: p.Pro1546=; no amino-acid change (proline 1546 retained).
Molecular consequence: synonymous variant.
Genome position (GRCh38, 1-based): chr1:208,038,847, C>T on the plus strand (G>A on the coding strand, the complement: PLXNA2 is on the minus strand). VCF-style: chr1-208038847-C-T. GRCh37 (hg19) VCF-style: chr1-208212192-C-T.
Identifiers: ClinVar variation 3031067 (VCV003031067.3), dbSNP rs767907097, ClinGen allele CA1372824.

ClinVar aggregate classification (germline): Likely benign. Review status: criteria provided, single submitter (1 of 4 stars). 2 submissions from 2 submitters: Likely benign (1). 1 of the submissions does not count toward it. Last evaluated 2025-02-23.

Conditions:
PLXNA2-related disorder. Also called: PLXNA2-related condition.

Allele frequency attached by ClinVar (database versions not stated): gnomAD exomes 0.00001; ExAC 0.00002; gnomAD 0.00002; TOPMed 0.00012.
gnomAD v4.1: 24 of 1,613,954 alleles (0.0015%); highest among the groups gnomAD compares: Admixed American, 0.018%; 1 homozygote.

Submissions (2):

Labcorp Genetics (formerly Invitae), Labcorp
Classification: Likely benign. Last evaluated: 2025-02-23. Review status: criteria provided, single submitter. Criteria: Invitae Variant Classification Sherloc (09022015). Collection method: clinical testing. Allele origin: germline.

PreventionGenetics, part of Exact Sciences
Classification: Likely benign for PLXNA2-related condition. Last evaluated: 2021-06-01. Review status: no assertion criteria provided. Collection method: clinical testing. Allele origin: germline. Not counted in ClinVar's aggregate classification.
Comment: This variant is classified as likely benign based on ACMG/AMP sequence variant interpretation guidelines (Richards et al. 2015 PMID: 25741868, with internal and published modifications).